The following is an entry in ClinVar:

ClinVar aggregate classification (germline): Uncertain significance (1 of 4 stars; one submission).

Conditions:
Inborn genetic diseases. Identifiers: MedGen C0950123, MeSH D030342.

Submission:

Ambry Genetics
Classification: Uncertain significance for Inborn genetic diseases. Last evaluated: 2026-04-28. Review status: criteria provided, single submitter. Criteria: Ambry Variant Classification Scheme 2023. Collection method: clinical testing. Allele origin: germline.
Comment: The p.Y479H variant (also known as c.1435T>C), located in coding exon 6 of the MBD4 gene, results from a T to C substitution at nucleotide position 1435. The tyrosine at codon 479 is replaced by histidine, an amino acid with similar properties. This amino acid position is conserved. In addition, this alteration is predicted to be deleterious by in silico analysis. Based on the available evidence, the clinical significance of this variant remains unclear.

NM_001276270.2(MBD4):c.1435T>C (p.Tyr479His)

Gene: MBD4 (methyl-CpG binding domain 4, DNA glycosylase; minus strand). Cytogenetic location: 3q21.3.
Variant type: single nucleotide variant.
Coding change: c.1435T>C on transcript NM_001276270.2 (MANE Select); coding-DNA position 1435, T replaced by C.
Protein change: p.Tyr479His; replaces tyrosine 479 with histidine.
Molecular consequence: missense variant.
Genome position (GRCh38, 1-based): chr3:129,433,206, A>G on the plus strand (T>C on the coding strand, the complement: MBD4 is on the minus strand). VCF-style: chr3-129433206-A-G. GRCh37 (hg19) VCF-style: chr3-129152049-A-G.
Other names: c.1453T>C, p.Tyr485His (NM_001276271.2, NM_001276272.2, NM_003925.3); c.499T>C, p.Tyr167His (NM_001276273.2); short protein forms Y167H, Y479H, Y485H.
Identifiers: ClinVar variation 4859594 (VCV004859594.1).
Genomic context (GRCh38, chr3:129,433,206, plus strand): 5'-GTTTAAGAAGTTCTGACACATCTCTCCAGTCTGCGGTTCTTGCTACCTCAGCTGAAGGAT[A>G]CTTCTCCAGAAACTTCCAAAGCACAGGTATTGCCATTTTGCCTGGGAAGTAAAAGTAACT-3'
Protein context (NP_001263199.1, residues 469-489): IPVLWKFLEK[Tyr479His]PSAEVARTAD